The following is an entry in ClinVar:

ClinVar aggregate classification (germline): Uncertain significance (1 of 4 stars; one submission).

Allele frequency attached by ClinVar (database versions not stated): gnomAD exomes below 0.00001.
gnomAD v4.1: 1 of 1,613,884 alleles (0.000062%); highest among the groups gnomAD compares: East Asian, 0.0022%; no homozygotes.

Submission:

Laboratory for Molecular Medicine, Mass General Brigham Personalized Medicine
Classification: Uncertain significance. Last evaluated: 2014-08-11. Review status: criteria provided, single submitter. Criteria: LMM Criteria. Collection method: clinical testing. Allele origin: germline. Observed: 1 variant allele.
Comment: Variant classified as Uncertain Significance - Favor Benign. The Phe2164Val vari ant in MYO15A has not been previously reported in individuals with hearing loss and was absent from large population studies. The phenylalanine (Phe) at positio n 2164 is not conserved in mammals or evolutionary distant species, raising the possibility that a change at this position may be tolerated. Additional computat ional prediction tools suggest that the Phe2164Val variant may not impact the pr otein, though this information is not predictive enough to rule out pathogenicit y. In summary, while the clinical significance of the Phe2164Val variant is unce rtain, these data suggest that is more likely to be benign.

NM_016239.4(MYO15A):c.6490T>G (p.Phe2164Val)

Gene: MYO15A (myosin XVA; plus strand). Cytogenetic location: 17p11.2.
Variant type: single nucleotide variant.
Coding change: c.6490T>G on transcript NM_016239.4 (MANE Select); coding-DNA position 6490, T replaced by G.
Protein change: p.Phe2164Val; replaces phenylalanine 2164 with valine.
Molecular consequence: missense variant.
Genome position (GRCh38, 1-based): chr17:18,146,088, T>G. VCF-style: chr17-18146088-T-G. GRCh37 (hg19) VCF-style: chr17-18049402-T-G.
Other names: short protein forms F2164V.
Identifiers: ClinVar variation 179922 (VCV000179922.4), dbSNP rs727505225, ClinGen allele CA185435.